The following is an entry in ClinVar:

ClinVar aggregate classification (germline): Uncertain significance (1 of 4 stars; one submission).

Conditions:
Multiple congenital exostosis (EXT). Also called: Hereditary multiple exostoses; Hereditary multiple exostosis; Hereditary multiple osteochondromas; MULTIPLE CARTILAGINOUS EXOSTOSES; Multiple exostoses; Multiple osteochondromas. Identifiers: Orphanet 321, MedGen C0015306, MONDO:0005508, HP:0002762.

Allele frequency attached by ClinVar (database versions not stated): gnomAD exomes below 0.00001; gnomAD 0.00001; TOPMed 0.00001.
gnomAD v4.1: 5 of 1,613,330 alleles (0.00031%); highest among the groups gnomAD compares: Non-Finnish European, 0.00042%; no homozygotes.

Submission:

Labcorp Genetics (formerly Invitae), Labcorp
Classification: Uncertain significance for Multiple congenital exostosis. Last evaluated: 2018-09-25. Review status: criteria provided, single submitter. Criteria: Invitae Variant Classification Sherloc (09022015). Collection method: clinical testing. Allele origin: germline.
Comment: This sequence change replaces threonine with asparagine at codon 488 of the EXT1 protein (p.Thr488Asn). The threonine residue is highly conserved and there is a small physicochemical difference between threonine and asparagine. This variant is not present in population databases (ExAC no frequency). This variant has not been reported in the literature in individuals with EXT1-related disease. Algorithms developed to predict the effect of missense changes on protein structure and function (SIFT, PolyPhen-2, Align-GVGD) all suggest that this variant is likely to be tolerated, but these predictions have not been confirmed by published functional studies and their clinical significance is uncertain. In summary, the available evidence is currently insufficient to determine the role of this variant in disease. Therefore, it has been classified as a Variant of Uncertain Significance.

NM_000127.3(EXT1):c.1463C>A (p.Thr488Asn)

Gene: EXT1 (exostosin glycosyltransferase 1; minus strand). Cytogenetic location: 8q24.11.
Variant type: single nucleotide variant.
Coding change: c.1463C>A on transcript NM_000127.3 (MANE Select); coding-DNA position 1463, C replaced by A.
Protein change: p.Thr488Asn; replaces threonine 488 with asparagine.
Molecular consequence: missense variant.
Genome position (GRCh38, 1-based): chr8:117,819,749, G>T on the plus strand (C>A on the coding strand, the complement: EXT1 is on the minus strand). VCF-style: chr8-117819749-G-T. GRCh37 (hg19) VCF-style: chr8-118831988-G-T.
Other names: short protein forms T488N.
Identifiers: ClinVar variation 654324 (VCV000654324.8), dbSNP rs759514310, ClinGen allele CA184282892.